The following is an entry in ClinVar:

NM_000093.5(COL5A1):c.4241G>C (p.Gly1414Ala)

Gene: COL5A1 (collagen type V alpha 1 chain; plus strand). Cytogenetic location: 9q34.3.
Variant type: single nucleotide variant.
Coding change: c.4241G>C on transcript NM_000093.5 (MANE Select); coding-DNA position 4241, G replaced by C.
Protein change: p.Gly1414Ala; replaces glycine 1414 with alanine.
Molecular consequence: missense variant.
Genome position (GRCh38, 1-based): chr9:134,818,666, G>C. VCF-style: chr9-134818666-G-C. GRCh37 (hg19) VCF-style: chr9-137710512-G-C.
Other names: c.4241G>C, p.Gly1414Ala (NM_001278074.1); short protein forms G1414A.
Identifiers: ClinVar variation 452015 (VCV000452015.13), dbSNP rs556167410, ClinGen allele CA5320224.
Genomic context (GRCh38, chr9:134,818,666, plus strand): 5'-GCCTGGAGCCTAGAGCTCCGGACCTCATTCTGCCCTCCGCCGTCCTGCAGGGAGAAGCCG[G>C]CTTGGAAGGCCCTCCTGGGAAGACTGGCCCCATCGGCCCCCAGGGGGCCCCTGGGAAGCC-3'
Protein context (NP_000084.3, residues 1404-1424): QGEKGAKGEA[Gly1414Ala]LEGPPGKTGP

ClinVar aggregate classification (germline): Conflicting classifications of pathogenicity. Review status: criteria provided, conflicting classifications (1 of 4 stars). 4 submissions from 4 submitters: Uncertain significance (2); Likely benign (2). Last evaluated 2026-01-12.

Conditions:
Ehlers-Danlos syndrome, classic type, 1 (EDSCL1). Also called: Ehlers-Danlos syndrome, type 1; Ehlers-Danlos Syndrome, Classic Type, COL5A1-Related; EDS I; EHLERS-DANLOS SYNDROME, GRAVIS TYPE; EHLERS-DANLOS SYNDROME, SEVERE CLASSIC TYPE. Identifiers: MedGen C0268335, MONDO:0019567, OMIM 130000.
Familial thoracic aortic aneurysm and aortic dissection (TAAD). Also called: Thoracic aortic aneurysms and dissections. Identifiers: Orphanet 91387, MedGen C4707243, MONDO:0019625.

Allele frequency attached by ClinVar (database versions not stated): gnomAD exomes 0.00002 and 0.00016; gnomAD 0.00008 and 0.00009; TOPMed 0.00010; 1000 Genomes Project 30x 0.00016; 1000 Genomes Project 0.00020; ExAC 0.00021.
gnomAD v4.1: 38 of 1,608,750 alleles (0.0024%); highest among the groups gnomAD compares: East Asian, 0.078%; no homozygotes.

Submissions (4):

Labcorp Genetics (formerly Invitae), Labcorp
Classification: Likely benign for Ehlers-Danlos syndrome, classic type, 1. Last evaluated: 2026-01-12. Review status: criteria provided, single submitter. Criteria: Invitae Variant Classification Sherloc (09022015). Collection method: clinical testing. Allele origin: germline.

Ambry Genetics
Classification: Uncertain significance for Familial thoracic aortic aneurysm and aortic dissection. Last evaluated: 2025-06-26. Review status: criteria provided, single submitter. Criteria: Ambry Variant Classification Scheme 2023. Collection method: clinical testing. Allele origin: germline.
Comment: The p.G1414A variant (also known as c.4241G>C), located in coding exon 55 of the COL5A1 gene, results from a G to C substitution at nucleotide position 4241. The glycine at codon 1414 is replaced by alanine, an amino acid with similar properties. Internal structural analysis indicates that this alteration disrupts the characteristic G-X-Y motif of the triple helical domain in the COL5A1 protein and inserts a bulky side chain into a sterically-constrained region (Bella J et al.Science.1994;266:75-81; Hohenester E et al.Proc. Natl.Acad. Sci.U.S.A.2008;105:18273-7; Ambry internal data). Glycine substitutions in the triple helical domain of COL5A1 have been reported in association with classic Ehlers-Danlos syndrome (cEDS), but the number of affected individuals is limited and several other COL5A1 glycine substitutions in the triple helical domain (e.g., p.G1078A and p.G1414A) are too common for disease in population databases (Symoens S et al.Hum. Mutat., 2012 Oct;33:1485-93; Ritelli M et al.Orphanet J Rare Dis.2013 Apr;8:58). This amino acid position is highly conserved in available vertebrate species. In addition, this alteration is predicted to be deleterious by in silico analysis. Based on the available evidence, the clinical significance of this variant remains unclear.

Blueprint Genetics
Classification: Likely benign. Last evaluated: 2019-12-03. Review status: criteria provided, single submitter. Criteria: ACMG Guidelines, 2015. Collection method: clinical testing. Allele origin: germline.

GeneDx
Classification: Uncertain significance. Last evaluated: 2019-02-20. Review status: criteria provided, single submitter. Criteria: GeneDx Variant Classification Process June 2021. Collection method: clinical testing. Allele origin: germline. Affected: yes.
Comment: In silico analysis, which includes protein predictors and evolutionary conservation, supports a deleterious effect; Identified in a patient with ischemia due to spontaneous, recurrent, bilateral carotid artery dissection in the published literature; this patient was also homozygous for a second rare variant in COL5A1 (Qin et al., 2017); This variant is associated with the following publications: (PMID: 28093518)